The following is an entry in ClinVar:

NM_020884.7(MYH7B):c.2926C>T (p.Gln976Ter)

Gene: MYH7B (myosin heavy chain 7B; plus strand). Cytogenetic location: 20q11.22.
Variant type: single nucleotide variant.
Coding change: c.2926C>T on transcript NM_020884.7 (MANE Select); coding-DNA position 2926, C replaced by T.
Protein change: p.Gln976Ter; replaces glutamine 976 with a stop codon.
Molecular consequence: nonsense.
Genome position (GRCh38, 1-based): chr20:34,995,561, C>T. VCF-style: chr20-34995561-C-T. GRCh37 (hg19) VCF-style: chr20-33583364-C-T.
Other names: short protein forms Q976*.
Identifiers: ClinVar variation 3607294 (VCV003607294.2).
Genomic context (GRCh38, chr20:34,995,561, plus strand): 5'-GAGCTCAAGAAGGACATTGATGACCTGGAGCTGACACTGGCCAAAGCTGAGAAGGAGAAG[C>T]AAGCCACTGAGAACAAGGTGTGGGCCGGGCCAGCTGTGGGGAAGGGCCCTGAGCCAGGGG-3'

ClinVar aggregate classification (germline): Uncertain significance (1 of 4 stars; one submission).

gnomAD v4.1: 3 of 1,613,208 alleles (0.00019%); highest among the groups gnomAD compares: African/African-American, 0.004%; no homozygotes.

Submission:

Labcorp Genetics (formerly Invitae), Labcorp
Classification: Uncertain significance. Last evaluated: 2024-12-19. Review status: criteria provided, single submitter. Criteria: Invitae Variant Classification Sherloc (09022015). Collection method: clinical testing. Allele origin: germline.
Comment: This sequence change creates a premature translational stop signal (p.Gln1018*) in the MYH7B gene. It is expected to result in an absent or disrupted protein product. However, the current clinical and genetic evidence is not sufficient to establish whether loss-of-function variants in MYH7B cause disease. The frequency data for this variant in the population databases is considered unreliable, as metrics indicate poor data quality at this position in the gnomAD database. This variant has not been reported in the literature in individuals affected with MYH7B-related conditions. Algorithms developed to predict the effect of sequence changes on RNA splicing suggest that this variant may disrupt the consensus splice site. In summary, the available evidence is currently insufficient to determine the role of this variant in disease. Therefore, it has been classified as a Variant of Uncertain Significance.